The following is an entry in ClinVar:

ClinVar aggregate classification (germline): Uncertain significance (1 of 4 stars; one submission).

gnomAD v4.1: 2 of 1,613,590 alleles (0.00012%); highest among the groups gnomAD compares: Non-Finnish European, 0.00017%; no homozygotes.

Submission:

GeneDx
Classification: Uncertain significance. Last evaluated: 2019-10-28. Review status: criteria provided, single submitter. Criteria: GeneDx Variant Classification Process June 2021. Collection method: clinical testing. Allele origin: germline. Affected: yes.
Comment: Not observed in large population cohorts (Lek et al., 2016); In silico analysis, which includes protein predictors and evolutionary conservation, supports a deleterious effect; Has not been previously published as pathogenic or benign to our knowledge

NM_001145809.2(MYH14):c.1183G>C (p.Asp395His)

Gene: MYH14 (myosin heavy chain 14; plus strand). Cytogenetic location: 19q13.33.
Variant type: single nucleotide variant.
Coding change: c.1183G>C on transcript NM_001145809.2 (MANE Select); coding-DNA position 1183, G replaced by C.
Protein change: p.Asp395His; replaces aspartic acid 395 with histidine.
Molecular consequence: missense variant.
Genome position (GRCh38, 1-based): chr19:50,244,310, G>C. VCF-style: chr19-50244310-G-C. GRCh37 (hg19) VCF-style: chr19-50747567-G-C.
Other names: c.1183G>C, p.Asp395His (NM_001077186.2); c.1159G>C, p.Asp387His (NM_024729.4); short protein forms D387H, D395H.
Identifiers: ClinVar variation 1308977 (VCV001308977.2), dbSNP rs771031207, ClinGen allele CA406957857.